The following is an entry in ClinVar:

ClinVar aggregate classification (germline): Uncertain significance (1 of 4 stars; one submission).

Allele frequency attached by ClinVar (database versions not stated): gnomAD exomes below 0.00001.

Submission:

Labcorp Genetics (formerly Invitae), Labcorp
Classification: Uncertain significance. Last evaluated: 2021-02-08. Review status: criteria provided, single submitter. Criteria: Invitae Variant Classification Sherloc (09022015). Collection method: clinical testing. Allele origin: germline.
Comment: In summary, the available evidence is currently insufficient to determine the role of this variant in disease. Therefore, it has been classified as a Variant of Uncertain Significance. Algorithms developed to predict the effect of missense changes on protein structure and function are either unavailable or do not agree on the potential impact of this missense change (SIFT: "Deleterious"; PolyPhen-2: "Probably Damaging"; Align-GVGD: "Class C0"). This variant has not been reported in the literature in individuals with CLCC1-related conditions. This variant is not present in population databases (ExAC no frequency). This sequence change replaces leucine with phenylalanine at codon 141 of the CLCC1 protein (p.Leu141Phe). The leucine residue is highly conserved and there is a small physicochemical difference between leucine and phenylalanine.

NM_001377458.1(CLCC1):c.421C>T (p.Leu141Phe)

Gene: CLCC1 (chloride channel CLIC like 1; minus strand). Cytogenetic location: 1p13.3.
Variant type: single nucleotide variant.
Coding change: c.421C>T on transcript NM_001377458.1 (MANE Select); coding-DNA position 421, C replaced by T.
Protein change: p.Leu141Phe; replaces leucine 141 with phenylalanine.
Molecular consequence: missense variant. On other transcripts: non-coding transcript variant (1), intron variant (3).
Genome position (GRCh38, 1-based): chr1:108,943,976, G>A on the plus strand (C>T on the coding strand, the complement: CLCC1 is on the minus strand). VCF-style: chr1-108943976-G-A. GRCh37 (hg19) VCF-style: chr1-109486598-G-A.
Other names: c.421C>T, p.Leu141Phe (NM_001048210.3, NM_001377459.1, NM_001377460.1 and 8 more transcripts); c.319C>T, p.Leu107Phe (NM_001377469.1); c.130C>T, p.Leu44Phe (NM_001377470.1); c.340-69C>T (NM_015127.5); c.340-2478C>T (NM_001278202.2); c.339+3635C>T (NM_001278203.1); short protein forms L107F, L141F, L44F.
Identifiers: ClinVar variation 1429886 (VCV001429886.8), dbSNP rs2101656052, ClinGen allele CA341464298.